The following is an entry in ClinVar:

NM_030962.4(SBF2):c.1024C>T (p.Arg342Ter)

Gene: SBF2 (SET binding factor 2; minus strand). Cytogenetic location: 11p15.4.
Variant type: single nucleotide variant.
Coding change: c.1024C>T on transcript NM_030962.4 (MANE Select); coding-DNA position 1024, C replaced by T.
Protein change: p.Arg342Ter; replaces arginine 342 with a stop codon.
Molecular consequence: nonsense.
Genome position (GRCh38, 1-based): chr11:9,993,950, G>A on the plus strand (C>T on the coding strand, the complement: SBF2 is on the minus strand). VCF-style: chr11-9993950-G-A. GRCh37 (hg19) VCF-style: chr11-10015497-G-A.
Other names: c.1024C>T, p.Arg342Ter (NM_001386339.1, NM_001386342.1); short protein forms R342*.
Identifiers: ClinVar variation 3896982 (VCV003896982.2), dbSNP rs1565106242.
Genomic context (GRCh38, chr11:9,993,950, plus strand): 5'-CAGCATTAAATTTAAATATTAAACTTCTTACCAGCATTTTTGAGTGGGATAAAGCTGTTC[G>A]TGGAGGAGGAAAAGCATGATCTGCTACTTCCAAATCTGGGTGTAAAATCTAAAGCAAAAA-3'

ClinVar aggregate classification (germline): Pathogenic/Likely pathogenic. Review status: criteria provided, multiple submitters, no conflicts (2 of 4 stars). 2 submissions from 2 submitters: Pathogenic (1); Likely pathogenic (1). Last evaluated 2026-01-28.

Conditions:
Charcot-Marie-Tooth disease type 4B2. Also called: Charcot-Marie-Tooth Neuropathy Type 4B2; CMT 4B2; CHARCOT-MARIE-TOOTH DISEASE, DEMYELINATING, TYPE 4B2; CHARCOT-MARIE-TOOTH DISEASE, WITH FOCALLY FOLDED MYELIN SHEATHS, AUTOSOMAL RECESSIVE, TYPE 4B2. Identifiers: Orphanet 99956, MedGen C1858278, MONDO:0011475, OMIM 604563.
Charcot-Marie-Tooth disease type 4. Also called: Charcot-Marie-Tooth disease, type IV; Charcot-Marie-Tooth, Type 4. Identifiers: Orphanet 64749, MedGen C4082197, MONDO:0018995.

Allele frequency attached by ClinVar (database versions not stated): TOPMed below 0.00001; gnomAD 0.00001.
gnomAD v4.1: 2 of 1,251,248 alleles (0.00016%); highest among the groups gnomAD compares: Non-Finnish European, 0.00024%; no homozygotes.

Submissions (2):

Labcorp Genetics (formerly Invitae), Labcorp
Classification: Pathogenic for Charcot-Marie-Tooth disease type 4. Last evaluated: 2026-01-28. Review status: criteria provided, single submitter. Criteria: Invitae Variant Classification Sherloc (09022015). Collection method: clinical testing. Allele origin: germline.
Comment: This sequence change creates a premature translational stop signal (p.Arg342*) in the SBF2 gene. It is expected to result in an absent or disrupted protein product. Loss-of-function variants in SBF2 are known to be pathogenic (PMID: 12687498, 25873783). This variant is not present in population databases (gnomAD no frequency). This variant has not been reported in the literature in individuals affected with SBF2-related conditions. ClinVar contains an entry for this variant (Variation ID: 3896982). For these reasons, this variant has been classified as Pathogenic.

Kariminejad - Najmabadi Pathology & Genetics Center
Classification: Likely pathogenic for Charcot-Marie-Tooth disease type 4B2. Last evaluated: 2023-11-09. Review status: criteria provided, single submitter. Criteria: ACMG Guidelines, 2015. Collection method: clinical testing. Allele origin: germline. Inheritance: Autosomal recessive inheritance. Affected: yes.
Comment: PVS1,PM2

Literature cited by the submitters: PubMed 12687498 (cited by Labcorp Genetics (formerly Invitae), Labcorp); PubMed 25873783 (cited by Labcorp Genetics (formerly Invitae), Labcorp).